The following is an entry in ClinVar:

ClinVar aggregate classification (germline): Pathogenic. Review status: reviewed by expert panel (3 of 4 stars). 9 submissions from 9 submitters: Pathogenic (1). 8 of the submissions do not count toward it. Last evaluated 2016-09-08.

Conditions:
Hereditary cancer-predisposing syndrome. Also called: Hereditary Cancer Syndrome; Hereditary neoplastic syndrome; Neoplastic Syndromes, Hereditary; Tumor predisposition. Identifiers: Orphanet 140162, MedGen C0027672, MeSH D009386, MONDO:0015356.
Breast-ovarian cancer, familial, susceptibility to, 1 (BROVCA1). Also called: BRCA1 Hereditary Breast and Ovarian Cancer; OVARIAN CANCER, SUSCEPTIBILITY TO. Identifiers: Orphanet 145, MedGen C2676676, MONDO:0011450, OMIM 604370. Disease mechanism: loss of function.
Familial cancer of breast. Also called: hereditary breast carcinoma; BREAST CANCER, FAMILIAL; Hereditary breast cancer. Identifiers: Orphanet 227535, MedGen C0346153, MONDO:0016419, OMIM 114480. Disease mechanism: loss of function.
Fanconi anemia, complementation group S (FANCS). Identifiers: MedGen C4554406, MONDO:0054748, OMIM 617883.
Hereditary breast ovarian cancer syndrome. Also called: BRCA1- and BRCA2-Associated Hereditary Breast and Ovarian Cancer; Hereditary breast and ovarian cancer syndrome; Hereditary breast and ovarian cancer syndrome (HBOC); Breast and ovarian cancer; Hereditary breast and/or ovarian cancer syndrome; Hereditary breast and ovarian cancer. Identifiers: Orphanet 145, MedGen C0677776, MeSH D061325, MONDO:0003582. Disease mechanism: loss of function.

Submissions (9):

Evidence-based Network for the Interpretation of Germline Mutant Alleles (ENIGMA)
Classification: Pathogenic for Breast-ovarian cancer, familial, susceptibility to, 1. Last evaluated: 2016-09-08. Review status: reviewed by expert panel. Criteria: ENIGMA BRCA1/2 Classification Criteria (2015). Collection method: curation. Allele origin: germline.
Comment: Variant allele predicted to encode a truncated non-functional protein.

Labcorp Genetics (formerly Invitae), Labcorp
Classification: Pathogenic for Hereditary breast ovarian cancer syndrome. Last evaluated: 2025-01-14. Review status: criteria provided, single submitter. Criteria: Invitae Variant Classification Sherloc (09022015). Collection method: clinical testing. Allele origin: germline. Not counted in ClinVar's aggregate classification.
Comment: This sequence change creates a premature translational stop signal (p.Ser308*) in the BRCA1 gene. It is expected to result in an absent or disrupted protein product. Loss-of-function variants in BRCA1 are known to be pathogenic (PMID: 20104584). Information on the frequency of this variant in the gnomAD database is not available, as this variant may be reported differently in the database. This premature translational stop signal has been observed in individual(s) with breast or ovarian cancer and is a recurrent variant in the Korean population (PMID: 15365993, 16455195, 22006311, 22798144, 26402875). This variant is also known as 1041_1043delAGCinsT. For these reasons, this variant has been classified as Pathogenic.

Ambry Genetics
Classification: Pathogenic for Hereditary cancer-predisposing syndrome. Last evaluated: 2024-04-30. Review status: criteria provided, single submitter. Criteria: Ambry Variant Classification Scheme 2023. Collection method: clinical testing. Allele origin: germline. Not counted in ClinVar's aggregate classification.
Comment: The c.922_924delAGCinsT pathogenic mutation, located in coding exon 9 of the BRCA1 gene, results from the deletion of 3 nucleotides and insertion of one nucleotide introducing a stop codon (p.S308*). This alteration has been reported multiple times in Korean individuals from high risk breast and ovarian cancer cohorts (Seo JH et al. Hum. Mutat. 2004 Oct;24:350; Ahn SH et al. Cancer Lett, 2007 Jan;245:90-5; Lim MC et al. J. Cancer Res. Clin. Oncol. 2009 Nov;135:1593-9; Walsh T et al. Proc. Natl. Acad. Sci. U.S.A. 2011 Nov;108:18032-7; Jang JH et al. J. Hum. Genet. 2012 Mar;57:212-5; Son BH et al. Breast Cancer Res. Treat. 2012 Jun;133:1143-52; Kim H et al. Breast Cancer Res. Treat. 2012 Aug;134:1315-26; Choi MC et al. Int. J. Gynecol. Cancer, 2015 Oct;25:1386-91; Park JS et al. Cancer Res Treat, 2017 Oct;49:1012-1021; Choi MC et al. J Gynecol Oncol, 2018 Jul;29:e43; Choi MC et al. Int J Gynecol Cancer, 2018 02;28:308-315; Kim SI et al. Cancer Res Treat, 2020 Oct;52:1229-1241). This variant is considered to be rare based on population cohorts in the Genome Aggregation Database (gnomAD). In addition to the clinical data presented in the literature, this alteration is expected to result in loss of function by premature protein truncation or nonsense-mediated mRNA decay. As such, this alteration is interpreted as a disease-causing mutation.

Department of Pathology and Laboratory Medicine, Sinai Health System
Classification: Pathogenic for Familial cancer of breast; Breast-ovarian cancer, familial, susceptibility to, 1; Fanconi anemia, complementation group S. Last evaluated: 2023-06-15. Review status: criteria provided, single submitter. Criteria: ACMG Guidelines, 2015. Collection method: clinical testing. Allele origin: germline. Affected: yes. Not counted in ClinVar's aggregate classification.

Color Diagnostics, LLC DBA Color Health
Classification: Pathogenic for Hereditary cancer-predisposing syndrome. Last evaluated: 2020-01-15. Review status: criteria provided, single submitter. Criteria: ACMG Guidelines, 2015. Collection method: clinical testing. Allele origin: germline. Not counted in ClinVar's aggregate classification.
Comment: This variant is located in the BRCA1 protein. Splice site prediction tools suggest that this variant may not impact RNA splicing. This variant has not been identified in the general population by the Genome Aggregation Database (gnomAD). Loss of BRCA1 function is a known mechanism of disease. Based on the available evidence, this variant is classified as Pathogenic.

GeneDx
Classification: Pathogenic. Last evaluated: 2018-09-11. Review status: criteria provided, single submitter. Criteria: GeneDx Variant Classification Process June 2021. Collection method: clinical testing. Allele origin: germline. Affected: yes. Not counted in ClinVar's aggregate classification.
Comment: Also known as 1041_1043delAGCinsT; This variant is associated with the following publications: (PMID: 32164585, 28205045, 19499246, 15365993, 22006311, 26402875, 27383479, 22798144, 22382806, 16455195, 22217648, 29673794, 28977883, 29770616, 28111427, 30309222)

Quest Diagnostics Nichols Institute San Juan Capistrano
Classification: Pathogenic. Last evaluated: 2017-02-08. Review status: criteria provided, single submitter. Criteria: Quest Diagnostics criteria. Collection method: clinical testing. Allele origin: germline. Not counted in ClinVar's aggregate classification.

Consortium of Investigators of Modifiers of BRCA1/2 (CIMBA), c/o University of Cambridge
Classification: Pathogenic for Breast-ovarian cancer, familial, susceptibility to, 1. Last evaluated: 2015-10-02. Review status: criteria provided, single submitter. Criteria: CIMBA Mutation Classification guidelines May 2016. Collection method: clinical testing. Allele origin: germline. Not counted in ClinVar's aggregate classification.

Sharing Clinical Reports Project (SCRP)
Classification: Pathogenic for Breast-ovarian cancer, familial 1. Last evaluated: 2011-09-16. Review status: no assertion criteria provided. Collection method: clinical testing. Allele origin: germline. Not counted in ClinVar's aggregate classification.

Literature cited by the submitters: PubMed 20104584 (cited by Labcorp Genetics (formerly Invitae), Labcorp); PubMed 15365993 (cited by 4 submitters); PubMed 16455195 (cited by 4 submitters); PubMed 22006311 (cited by Labcorp Genetics (formerly Invitae), Labcorp and Ambry Genetics); PubMed 22798144 (cited by 4 submitters); PubMed 26402875 (cited by 3 submitters); PubMed 19499246 (cited by Ambry Genetics); PubMed 22217648 (cited by Ambry Genetics); PubMed 22382806 (cited by Ambry Genetics and Quest Diagnostics Nichols Institute San Juan Capistrano); PubMed 28111427 (cited by Ambry Genetics); PubMed 28392550 (cited by Ambry Genetics); PubMed 29240602 (cited by Ambry Genetics); PubMed 29770616 (cited by Ambry Genetics); PubMed 32718143 (cited by Ambry Genetics); PubMed 33471991 (cited by Department of Pathology and Laboratory Medicine, Sinai Health System); PubMed 27383479 (cited by Quest Diagnostics Nichols Institute San Juan Capistrano).

NM_007294.4(BRCA1):c.922_924delinsT (p.Lys307_Ser308insTer)

Gene: BRCA1 (BRCA1 DNA repair associated; minus strand). Cytogenetic location: 17q21.31.
Variant type: Indel.
Coding change: c.922_924delinsT on transcript NM_007294.4 (MANE Select); coding-DNA positions 922 to 924, AGC replaced by T.
Protein change: p.Lys307_Ser308insTer.
Molecular consequence: nonsense. On other transcripts: intron variant (137).
Genome position (GRCh38, 1-based): chr17:43,094,607-43,094,609, GCT replaced by A on the plus strand (AGC replaced by T on the coding strand, the reverse complement: BRCA1 is on the minus strand). VCF-style: chr17-43094607-GCT-A. GRCh37 (hg19) VCF-style: chr17-41246624-GCT-A.
Other names: 1041del3insT; 1041del3INST; c.709_711delinsT, p.Lys236_Ser237insTer (NM_001407571.1, NM_001407853.1, NM_001407894.1 and 9 more transcripts); c.922_924delinsT, p.Lys307_Ser308insTer (NM_001407581.1, NM_001407582.1, NM_001407583.1 and 30 more transcripts); c.919_921delinsT, p.Lys306_Ser307insTer (NM_001407587.1, NM_001407590.1, NM_001407591.1 and 22 more transcripts); c.913_915delinsT, p.Lys304_Ser305insTer (NM_001407646.1, NM_001407647.1); c.799_801delinsT, p.Lys266_Ser267insTer (NM_001407648.1, NM_001407664.1, NM_001407665.1 and 19 more transcripts); c.796_798delinsT, p.Lys265_Ser266insTer (NM_001407649.1, NM_001407670.1, NM_001407671.1 and 11 more transcripts); and 42 more.
Identifiers: ClinVar variation 55753 (VCV000055753.24), dbSNP rs397509335, ClinGen allele CA003964.